The following is an entry in ClinVar:

NM_000136.3(FANCC):c.*1262T>C

Genes: FANCC (FA complementation group C; minus strand), AOPEP (aminopeptidase O (putative); plus strand). Cytogenetic location: 9q22.32.
Variant type: single nucleotide variant.
Coding change: c.*1262T>C on transcript NM_000136.3 (MANE Select); 1262 bases downstream of the stop codon, T replaced by C.
Molecular consequence: 3 prime UTR variant.
Genome position (GRCh38, 1-based): chr9:95,100,445, A>G on the plus strand (T>C on the coding strand, the complement: FANCC is on the minus strand). VCF-style: chr9-95100445-A-G. GRCh37 (hg19) VCF-style: chr9-97862727-A-G.
Other names: c.*1262T>C (NM_001243743.2).
Identifiers: ClinVar variation 367591 (VCV000367591.5), dbSNP rs45520432, ClinGen allele CA10630601.

ClinVar aggregate classification (germline): Likely benign (1 of 4 stars; one submission).

Conditions:
Fanconi anemia complementation group C (FANCC). Also called: FANCONI PANCYTOPENIA, TYPE 3; FACC; Fanconi anemia, group C; FANCC-Related Fanconi Anemia. Identifiers: Orphanet 84, MedGen C3468041, MONDO:0009213, OMIM 227645.

Allele frequency attached by ClinVar (database versions not stated): 1000 Genomes Project 0.00060; 1000 Genomes Project 30x 0.00078; gnomAD 0.00149 and 0.00155; TOPMed 0.00155; gnomAD exomes 0.00183.
gnomAD v4.1: 369 of 231,626 alleles (0.16%); highest among the groups gnomAD compares: Admixed American, 0.32%; 1 homozygote.

Submission:

Illumina Laboratory Services, Illumina
Classification: Likely benign for Fanconi anemia complementation group C. Last evaluated: 2018-01-12. Review status: criteria provided, single submitter. Criteria: ICSL Variant Classification Criteria 13 December 2019. Collection method: clinical testing. Allele origin: germline.
Comment: This variant was observed in the ICSL laboratory as part of a predisposition screen in an ostensibly healthy population. It had not been previously curated by ICSL or reported in the Human Gene Mutation Database (HGMD: prior to June 1st, 2018), and was therefore a candidate for classification through an automated scoring system. Utilizing variant allele frequency, disease prevalence and penetrance estimates, and inheritance mode, an automated score was calculated to assess if this variant is too frequent to cause the disease. Based on the score and internal cut-off values, a variant classified as likely benign is not then subjected to further curation. The score for this variant resulted in a classification of likely benign for this disease.